The following is an entry in ClinVar:

NM_013448.3(BAZ1A):c.114-6A>C

Gene: BAZ1A (bromodomain adjacent to zinc finger domain 1A; minus strand). Cytogenetic location: 14q13.2.
Variant type: single nucleotide variant.
Coding change: c.114-6A>C on transcript NM_013448.3 (MANE Select); 6 bases into the intron before coding-DNA position 114, A replaced by C.
Molecular consequence: intron variant.
Genome position (GRCh38, 1-based): chr14:34,862,328, T>G on the plus strand (A>C on the coding strand, the complement: BAZ1A is on the minus strand). VCF-style: chr14-34862328-T-G. GRCh37 (hg19) VCF-style: chr14-35331534-T-G.
Other names: c.114-6A>C (NM_182648.2).
Identifiers: ClinVar variation 5000406 (VCV005000406.1).

ClinVar aggregate classification (germline): Likely benign (1 of 4 stars; one submission).

Conditions:
BAZ1A-related disorder. Also called: BAZ1A-related condition.

Submission:

PreventionGenetics, part of Exact Sciences
Classification: Likely benign for BAZ1A-related condition. Last evaluated: 2024-11-18. Review status: criteria provided, single submitter. Criteria: ACMG Guidelines, 2015. Collection method: clinical testing. Allele origin: germline.
Comment: This variant is classified as likely benign based on ACMG/AMP sequence variant interpretation guidelines (Richards et al. 2015 PMID: 25741868, with internal and published modifications).